The following is an entry in ClinVar:

ClinVar aggregate classification (germline): Uncertain significance. Review status: criteria provided, multiple submitters, no conflicts (2 of 4 stars). 4 submissions from 4 submitters: Uncertain significance (4). Last evaluated 2025-02-17.

Conditions:
Hereditary cancer-predisposing syndrome. Also called: Tumor predisposition; Hereditary Cancer Syndrome; Neoplastic Syndromes, Hereditary; Hereditary neoplastic syndrome. Identifiers: Orphanet 140162, MedGen C0027672, MeSH D009386, MONDO:0015356.
Familial cancer of breast. Also called: Hereditary breast cancer; BREAST CANCER, FAMILIAL; hereditary breast carcinoma. Identifiers: Orphanet 227535, MedGen C0346153, MONDO:0016419, OMIM 114480. Disease mechanism: loss of function.
Breast-ovarian cancer, familial, susceptibility to, 2 (BROVCA2). Also called: BRCA2 Hereditary Breast and Ovarian Cancer. Identifiers: Orphanet 145, MedGen C2675520, MONDO:0012933, OMIM 612555. Disease mechanism: loss of function.
Hereditary breast ovarian cancer syndrome. Also called: Hereditary breast and/or ovarian cancer syndrome; BRCA1- and BRCA2-Associated Hereditary Breast and Ovarian Cancer; Hereditary breast and ovarian cancer; Hereditary breast and ovarian cancer syndrome (HBOC); Breast and ovarian cancer; Hereditary breast and ovarian cancer syndrome. Identifiers: Orphanet 145, MedGen C0677776, MeSH D061325, MONDO:0003582. Disease mechanism: loss of function.

Submissions (4):

Labcorp Genetics (formerly Invitae), Labcorp
Classification: Uncertain significance for Hereditary breast ovarian cancer syndrome. Last evaluated: 2025-02-17. Review status: criteria provided, single submitter. Criteria: Invitae Variant Classification Sherloc (09022015). Collection method: clinical testing. Allele origin: germline.
Comment: This variant, c.5045_5050del, results in the deletion of 2 amino acid(s) of the BRCA2 protein (p.Ser1682_Gln1683del), but otherwise preserves the integrity of the reading frame. This variant is not present in population databases (gnomAD no frequency). This variant has not been reported in the literature in individuals affected with BRCA2-related conditions. ClinVar contains an entry for this variant (Variation ID: 216248). Experimental studies and prediction algorithms are not available or were not evaluated, and the functional significance of this variant is currently unknown. In summary, the available evidence is currently insufficient to determine the role of this variant in disease. Therefore, it has been classified as a Variant of Uncertain Significance.

Ambry Genetics
Classification: Uncertain significance for Hereditary cancer-predisposing syndrome. Last evaluated: 2024-11-27. Review status: criteria provided, single submitter. Criteria: Ambry Variant Classification Scheme 2023. Collection method: clinical testing. Allele origin: germline.
Comment: The c.5045_5050delGTCAGA variant (also known as p.S1682_Q1683del) is located in coding exon 10 of the BRCA2 gene. This variant results from an in-frame GTCAGA deletion at nucleotide positions 5045 to 5050. This results in the in-frame deletion of a serine residue and a glutamine residue at codons 1682 and 1683. This amino acid region is not well conserved in available vertebrate species. In addition, this alteration is predicted to be deleterious by in silico analysis (Choi Y et al. PLoS ONE. 2012; 7(10):e46688). Based on the available evidence, the clinical significance of this variant remains unclear.

Department of Pathology and Laboratory Medicine, Sinai Health System
Classification: Uncertain significance for Familial cancer of breast; Breast-ovarian cancer, familial, susceptibility to, 2. Last evaluated: 2023-03-14. Review status: criteria provided, single submitter. Criteria: ACMG Guidelines, 2015. Collection method: clinical testing. Allele origin: germline. Affected: yes.

Color Diagnostics, LLC DBA Color Health
Classification: Uncertain significance for Hereditary cancer-predisposing syndrome. Last evaluated: 2023-03-06. Review status: criteria provided, single submitter. Criteria: ACMG Guidelines, 2015. Collection method: clinical testing. Allele origin: germline.
Comment: This variant causes an in-frame deletion of two amino acids at codon 1682 and 1683 in the BRCA2 protein. To our knowledge, functional studies have not been reported for this variant. This variant has not been reported in individuals affected with BRCA2-related disorders in the literature. This variant has not been identified in the general population by the Genome Aggregation Database (gnomAD). The available evidence is insufficient to determine the role of this variant in disease conclusively. Therefore, this variant is classified as a Variant of Uncertain Significance.

NM_000059.4(BRCA2):c.5045_5050del (p.Ser1682_Gln1683del)

Gene: BRCA2 (BRCA2 DNA repair associated; plus strand). Cytogenetic location: 13q13.1.
Variant type: Deletion.
Coding change: c.5045_5050del on transcript NM_000059.4 (MANE Select); coding-DNA positions 5045 to 5050, 6 bases deleted (GTCAGA; older notation c.5045_5050delGTCAGA).
Protein change: p.Ser1682_Gln1683del.
Molecular consequence: inframe deletion.
Genome position (GRCh38, 1-based): chr13:32,339,400-32,339,405, GTCAGA deleted; deleting any 6 consecutive bases within chr13:32,339,398-32,339,405 gives the same sequence; the c. name uses the placement nearest the transcript's 3' end. VCF-style (leftmost placement, unchanged base first): chr13-32339397-TGAGTCA-T. GRCh37 (hg19) VCF-style: chr13-32913534-TGAGTCA-T.
Other names: c.5043_5048delGAGTCA (NM_000059.3); c.5045_5050delGTCAGA (NM_000059.3).
Identifiers: ClinVar variation 216248 (VCV000216248.19), dbSNP rs863224591, ClinGen allele CA336108.
Genomic context (GRCh38, chr13:32,339,397, plus strand): 5'-ATTCAGTCATTGAAAATTCAGCCTTAGCTTTTTACACAAGTTGTAGTAGAAAAACTTCTG[TGAGTCA>T]GACTTCATTACTTGAAGCAAAAAAATGGCTTAGAGAAGGAATATTTGATGGTCAACCAGA-3'